The following is an entry in ClinVar:

NM_022124.6(CDH23):c.6168C>T (p.Leu2056=)

Gene: CDH23 (cadherin related 23; plus strand). Cytogenetic location: 10q22.1.
Variant type: single nucleotide variant.
Coding change: c.6168C>T on transcript NM_022124.6 (MANE Select); coding-DNA position 6168, C replaced by T.
Protein change: p.Leu2056=; no amino-acid change (leucine 2056 retained).
Molecular consequence: synonymous variant.
Genome position (GRCh38, 1-based): chr10:71,791,250, C>T. VCF-style: chr10-71791250-C-T. GRCh37 (hg19) VCF-style: chr10-73551007-C-T.
Identifiers: ClinVar variation 46003 (VCV000046003.41), dbSNP rs371570295, ClinGen allele CA137521.

ClinVar aggregate classification (germline): Likely benign. Review status: criteria provided, multiple submitters, no conflicts (2 of 4 stars). 6 submissions from 6 submitters: Likely benign (6). Last evaluated 2026-06-19.

Conditions:
CDH23-related disorder. Also called: CDH23-related condition; CDH23-related disorders.

Allele frequency attached by ClinVar (database versions not stated): gnomAD 0.00006 and 0.00007; ESP Exome Variant Server 0.00008; TOPMed 0.00008; gnomAD exomes 0.00011 and 0.00012; ExAC 0.00014; 1000 Genomes Project 30x 0.00031; 1000 Genomes Project 0.00040.
gnomAD v4.1: 184 of 1,613,924 alleles (0.011%); highest among the groups gnomAD compares: Middle Eastern, 0.31%; no homozygotes.

Submissions (6):

Women's Health and Genetics/Laboratory Corporation of America, LabCorp
Classification: Likely benign. Last evaluated: 2026-06-19. Review status: criteria provided, single submitter. Criteria: LabCorp Variant Classification Summary - May 2015. Collection method: clinical testing. Allele origin: germline.

Labcorp Genetics (formerly Invitae), Labcorp
Classification: Likely benign. Last evaluated: 2025-11-23. Review status: criteria provided, single submitter. Criteria: Invitae Variant Classification Sherloc (09022015). Collection method: clinical testing. Allele origin: germline.

PreventionGenetics, part of Exact Sciences
Classification: Likely benign for CDH23-related condition. Last evaluated: 2025-09-02. Review status: criteria provided, single submitter. Criteria: ACMG Guidelines, 2015. Collection method: clinical testing. Allele origin: germline.
Comment: This variant is classified as likely benign based on ACMG/AMP sequence variant interpretation guidelines (Richards et al. 2015 PMID: 25741868, with internal and published modifications).

Blueprint Genetics
Classification: Likely benign. Last evaluated: 2024-06-17. Review status: criteria provided, single submitter. Criteria: ACMG Guidelines, 2015. Collection method: clinical testing. Allele origin: germline.

CeGaT Center for Human Genetics Tuebingen
Classification: Likely benign. Last evaluated: 2024-04-01. Review status: criteria provided, single submitter. Criteria: CeGaT Center For Human Genetics Tuebingen Variant Classification Criteria Version 2. Collection method: clinical testing. Allele origin: germline. Affected: yes. Observed: 2 variant alleles.
Comment: CDH23: BP4, BP7

Laboratory for Molecular Medicine, Mass General Brigham Personalized Medicine
Classification: Likely benign. Last evaluated: 2010-09-02. Review status: criteria provided, single submitter. Criteria: LMM Criteria. Collection method: clinical testing. Allele origin: germline. Observed: 2 variant alleles.
Comment: Leu2056Leu in exon 47 of CDH23: This variant is not expected to have clinical si gnificance because it does not alter an amino acid residue and is not located ne ar a splice junction.